The following is an entry in ClinVar:

ClinVar aggregate classification (germline): Uncertain significance. Review status: criteria provided, multiple submitters, no conflicts (2 of 4 stars). 2 submissions from 2 submitters: Uncertain significance (2). Last evaluated 2024-05-28.

Conditions:
Left-right axis malformations. Identifiers: MedGen C1866091.

Allele frequency attached by ClinVar (database versions not stated): gnomAD exomes 0.00001.
gnomAD v4.1: 5 of 1,610,716 alleles (0.00031%); highest among the groups gnomAD compares: Non-Finnish European, 0.00042%; no homozygotes.

Submissions (2):

Ambry Genetics
Classification: Uncertain significance. Last evaluated: 2024-05-28. Review status: criteria provided, single submitter. Criteria: Ambry Variant Classification Scheme 2023. Collection method: clinical testing. Allele origin: germline.

Labcorp Genetics (formerly Invitae), Labcorp
Classification: Uncertain significance for Left-right axis malformations. Last evaluated: 2022-06-15. Review status: criteria provided, single submitter. Criteria: Invitae Variant Classification Sherloc (09022015). Collection method: clinical testing. Allele origin: germline.
Comment: In summary, the available evidence is currently insufficient to determine the role of this variant in disease. Therefore, it has been classified as a Variant of Uncertain Significance. Algorithms developed to predict the effect of missense changes on protein structure and function (SIFT, PolyPhen-2, Align-GVGD) all suggest that this variant is likely to be tolerated. This variant has not been reported in the literature in individuals affected with LEFTY2-related conditions. The frequency data for this variant in the population databases is considered unreliable, as metrics indicate poor data quality at this position in the gnomAD database. This sequence change replaces proline, which is neutral and non-polar, with serine, which is neutral and polar, at codon 210 of the LEFTY2 protein (p.Pro210Ser).

NM_003240.5(LEFTY2):c.628C>T (p.Pro210Ser)

Gene: LEFTY2 (left-right determination factor 2; minus strand). Cytogenetic location: 1q42.12.
Variant type: single nucleotide variant.
Coding change: c.628C>T on transcript NM_003240.5 (MANE Select); coding-DNA position 628, C replaced by T.
Protein change: p.Pro210Ser; replaces proline 210 with serine.
Molecular consequence: missense variant.
Genome position (GRCh38, 1-based): chr1:225,939,470, G>A on the plus strand (C>T on the coding strand, the complement: LEFTY2 is on the minus strand). VCF-style: chr1-225939470-G-A. GRCh37 (hg19) VCF-style: chr1-226127170-G-A.
Other names: c.526C>T, p.Pro176Ser (NM_001172425.3); c.628C>T (NM_003240.3); short protein forms P210S, P176S.
Identifiers: ClinVar variation 2012309 (VCV002012309.5), dbSNP rs889810672, ClinGen allele CA345015215.
Genomic context (GRCh38, chr1:225,939,470, plus strand): 5'-GCCCGGCTGGCGCCCCCTGCGAGGCAAAGCGGACCAGCTTGTGGGCGCCGGACGCCAGCG[G>A]GCCCAGATGCTCCCTCTGCACCGACACCTGTAGCAGCAGCGGCTGCCGGGGCCGGCTCAG-3'
Protein context (NP_003231.2, residues 200-220): QVSVQREHLG[Pro210Ser]LASGAHKLVR